The following is an entry in ClinVar:

NM_020843.4(SCAPER):c.2509-4G>T

Gene: SCAPER (S-phase cyclin A associated protein in the ER; minus strand). Cytogenetic location: 15q24.3.
Variant type: single nucleotide variant.
Coding change: c.2509-4G>T on transcript NM_020843.4 (MANE Select); 4 bases into the intron before coding-DNA position 2509, G replaced by T.
Molecular consequence: intron variant.
Genome position (GRCh38, 1-based): chr15:76,665,793, C>A on the plus strand (G>T on the coding strand, the complement: SCAPER is on the minus strand). VCF-style: chr15-76665793-C-A. GRCh37 (hg19) VCF-style: chr15-76958134-C-A.
Other names: c.2125-4G>T (NM_001353011.2); c.2107-4G>T (NM_001353012.2, NM_001353010.2); c.2527-4G>T (NM_001353009.2); c.1771-4G>T (NM_001145923.2).
Identifiers: ClinVar variation 4995671 (VCV004995671.1).

ClinVar aggregate classification (germline): Likely benign (1 of 4 stars; one submission).

Conditions:
SCAPER-related disorder. Also called: SCAPER-related condition.

gnomAD v4.1: 2 of 1,498,494 alleles (0.00013%); highest among the groups gnomAD compares: Non-Finnish European, 0.00018%; no homozygotes.

Submission:

PreventionGenetics, part of Exact Sciences
Classification: Likely benign for SCAPER-related condition. Last evaluated: 2026-08-26. Review status: criteria provided, single submitter. Criteria: ACMG Guidelines, 2015. Collection method: clinical testing. Allele origin: germline.
Comment: This variant is classified as likely benign based on ACMG/AMP sequence variant interpretation guidelines (Richards et al. 2015 PMID: 25741868, with internal and published modifications).